The following is an entry in ClinVar:

ClinVar aggregate classification (germline): Uncertain significance (1 of 4 stars; one submission).

Conditions:
Neuropathy, hereditary sensory and autonomic, type 2A (HSAN2A). Also called: WNK1-Related HSAN2 (HSAN2A); ACROOSTEOLYSIS, GIACCAI TYPE; ACROOSTEOLYSIS, NEUROGENIC; MORVAN DISEASE; NEUROPATHY, CONGENITAL SENSORY; NEUROPATHY, HEREDITARY SENSORY RADICULAR, AUTOSOMAL RECESSIVE. Identifiers: Orphanet 970, MedGen C2752089, MONDO:0024309, OMIM 201300.
Generalized epilepsy with febrile seizures plus, type 7 (GEFSP7). Also called: GEFS+, TYPE 7. Identifiers: Orphanet 36387, MedGen C2751778, MONDO:0013470, OMIM 613863.

Submission:

Labcorp Genetics (formerly Invitae), Labcorp
Classification: Uncertain significance for Neuropathy, hereditary sensory and autonomic, type 2A; Generalized epilepsy with febrile seizures plus, type 7. Last evaluated: 2024-11-18. Review status: criteria provided, single submitter. Criteria: Invitae Variant Classification Sherloc (09022015). Collection method: clinical testing. Allele origin: germline.
Comment: This sequence change replaces serine, which is neutral and polar, with proline, which is neutral and non-polar, at codon 1865 of the SCN9A protein (p.Ser1865Pro). This variant is not present in population databases (gnomAD no frequency). This variant has not been reported in the literature in individuals affected with SCN9A-related conditions. ClinVar contains an entry for this variant (Variation ID: 1008816). Invitae Evidence Modeling of protein sequence and biophysical properties (such as structural, functional, and spatial information, amino acid conservation, physicochemical variation, residue mobility, and thermodynamic stability) indicates that this missense variant is not expected to disrupt SCN9A protein function with a negative predictive value of 95%. In summary, the available evidence is currently insufficient to determine the role of this variant in disease. Therefore, it has been classified as a Variant of Uncertain Significance.

NM_001365536.1(SCN9A):c.5626T>C (p.Ser1876Pro)

Genes: SCN1A-AS1 (SCN1A and SCN9A antisense RNA 1; plus strand), SCN9A (sodium voltage-gated channel alpha subunit 9; minus strand). Cytogenetic location: 2q24.3.
Variant type: single nucleotide variant.
Coding change: c.5626T>C on transcript NM_001365536.1 (MANE Select); coding-DNA position 5626, T replaced by C.
Protein change: p.Ser1876Pro; replaces serine 1876 with proline.
Molecular consequence: missense variant.
Genome position (GRCh38, 1-based): chr2:166,199,013, A>G on the plus strand (T>C on the coding strand, the complement: SCN9A is on the minus strand). VCF-style: chr2-166199013-A-G. GRCh37 (hg19) VCF-style: chr2-167055523-A-G.
Other names: c.5593T>C, p.Ser1865Pro (NM_002977.4); short protein forms S1865P, S1876P.
Identifiers: ClinVar variation 1008816 (VCV001008816.9), dbSNP rs1255439531, ClinGen allele CA349051906.